The following is an entry in ClinVar:

NM_000834.5(GRIN2B):c.1883C>A (p.Ser628Tyr)

Gene: GRIN2B (glutamate ionotropic receptor NMDA type subunit 2B; minus strand). Cytogenetic location: 12p13.1.
Variant type: single nucleotide variant.
Coding change: c.1883C>A on transcript NM_000834.5 (MANE Select); coding-DNA position 1883, C replaced by A.
Protein change: p.Ser628Tyr; replaces serine 628 with tyrosine.
Molecular consequence: missense variant.
Genome position (GRCh38, 1-based): chr12:13,608,730, G>T on the plus strand (C>A on the coding strand, the complement: GRIN2B is on the minus strand). VCF-style: chr12-13608730-G-T. GRCh37 (hg19) VCF-style: chr12-13761664-G-T.
Other names: c.1883C>A, p.Ser628Tyr (NM_001413992.1); short protein forms S628Y.
Identifiers: ClinVar variation 3901889 (VCV003901889.1).

ClinVar aggregate classification (germline): Likely pathogenic (1 of 4 stars; one submission).

Conditions:
Developmental and epileptic encephalopathy, 27 (DEE27). Also called: GRIN2B-Related Neurodevelopmental Disorder; Epileptic encephalopathy, early infantile, 27. Identifiers: Orphanet 3451, MedGen C4015316, MONDO:0014505, OMIM 616139.

Submission:

Rare Disease Center, Seoul National University Hospital
Classification: Likely pathogenic for Developmental and epileptic encephalopathy, 27. Last evaluated: 2025-03-23. Review status: criteria provided, single submitter. Criteria: ACMG Guidelines, 2015. Collection method: provider interpretation. Allele origin: unknown. Affected: yes. Observed: 1 variant allele.
Comment: In addition, this variant is not present in population databases (gnomAD). Note: This variant was found in clinical genetic testing performed by one or more labs who may also submit to ClinVar. Therefore, any internal case data may overlap with the internal case data of other submitters. The classification and rationale are that of the Rare Disease Center, Seoul National University Hospital